The following is an entry in ClinVar:

NM_001367624.2(ZNF469):c.3071G>A (p.Ser1024Asn)

Gene: ZNF469 (zinc finger protein 469; plus strand). Cytogenetic location: 16q24.2.
Variant type: single nucleotide variant.
Coding change: c.3071G>A on transcript NM_001367624.2 (MANE Select); coding-DNA position 3071, G replaced by A.
Protein change: p.Ser1024Asn; replaces serine 1024 with asparagine.
Molecular consequence: missense variant.
Genome position (GRCh38, 1-based): chr16:88,430,541, G>A. VCF-style: chr16-88430541-G-A. GRCh37 (hg19) VCF-style: chr16-88496949-G-A.
Other names: NM_001127464.1:c.3071G>A; short protein forms S1024N.
Identifiers: ClinVar variation 3359610 (VCV003359610.1).

ClinVar aggregate classification (germline): Uncertain significance (1 of 4 stars; one submission).

gnomAD v4.1: 8 of 1,466,926 alleles (0.00055%); highest among the groups gnomAD compares: South Asian, 0.0013%; no homozygotes.

Submission:

GeneDx
Classification: Uncertain significance. Last evaluated: 2023-06-05. Review status: criteria provided, single submitter. Criteria: GeneDx Variant Classification Process June 2021. Collection method: clinical testing. Allele origin: germline. Affected: yes.
Comment: Not observed at significant frequency in large population cohorts (gnomAD); In silico analysis supports that this missense variant does not alter protein structure/function; Has not been previously published as pathogenic or benign to our knowledge